The following is an entry in ClinVar:

NM_001291415.2(KDM6A):c.2128C>T (p.Arg710Ter)

Gene: KDM6A (lysine demethylase 6A; plus strand). Cytogenetic location: Xp11.3.
Variant type: single nucleotide variant.
Coding change: c.2128C>T on transcript NM_001291415.2 (MANE Select); coding-DNA position 2128, C replaced by T.
Protein change: p.Arg710Ter; replaces arginine 710 with a stop codon.
Molecular consequence: nonsense. On other transcripts: non-coding transcript variant (1).
Genome position (GRCh38, 1-based): chrX:45,069,627, C>T. VCF-style: chrX-45069627-C-T. GRCh37 (hg19) VCF-style: chrX-44928872-C-T.
Other names: c.1993C>T, p.Arg665Ter (NM_001291416.2); c.1837C>T, p.Arg613Ter (NM_001291417.2); c.1735C>T, p.Arg579Ter (NM_001291418.2); c.1084C>T, p.Arg362Ter (NM_001291421.2); c.1972C>T, p.Arg658Ter (NM_021140.4); short protein forms R658*, R710*, R665*, R579*, R362*, R613*.
Identifiers: ClinVar variation 620434 (VCV000620434.9), dbSNP rs755440519, ClinGen allele CA10392470.

ClinVar aggregate classification (germline): Pathogenic. Review status: criteria provided, multiple submitters, no conflicts (2 of 4 stars). 3 submissions from 3 submitters: Pathogenic (3). Last evaluated 2024-02-15.

Conditions:
Neurodevelopmental disorder. Identifiers: MedGen C1535926, MeSH D065886, MONDO:0700092.
Kabuki syndrome 2 (KABUK2). Also called: KDM6A-Related Kabuki Syndrome. Identifiers: Orphanet 2322, MedGen C3275495, MONDO:0010465, OMIM 300867.

Allele frequency attached by ClinVar (database versions not stated): ExAC 0.00001.

Submissions (3):

GeneDx
Classification: Pathogenic. Last evaluated: 2024-02-15. Review status: criteria provided, single submitter. Criteria: GeneDx Variant Classification Process June 2021. Collection method: clinical testing. Allele origin: germline. Affected: yes.
Comment: Reported in a patient with Kabuki syndrome (PMID: 36891680); Nonsense variant predicted to result in protein truncation or nonsense mediated decay in a gene for which loss of function is a known mechanism of disease; Not observed at significant frequency in large population cohorts (gnomAD); This variant is associated with the following publications: (PMID: 36891680)

Labcorp Genetics (formerly Invitae), Labcorp
Classification: Pathogenic for Kabuki syndrome 2. Last evaluated: 2023-11-03. Review status: criteria provided, single submitter. Criteria: Invitae Variant Classification Sherloc (09022015). Collection method: clinical testing. Allele origin: germline.
Comment: This sequence change creates a premature translational stop signal (p.Arg658*) in the KDM6A gene. It is expected to result in an absent or disrupted protein product. Loss-of-function variants in KDM6A are known to be pathogenic (PMID: 23076834, 23913813). This variant is not present in population databases (gnomAD no frequency). This variant has not been reported in the literature in individuals affected with KDM6A-related conditions. ClinVar contains an entry for this variant (Variation ID: 620434). For these reasons, this variant has been classified as Pathogenic.

Laboratory of Molecular Genetics (Pr. Bezieau's lab), CHU de Nantes
Classification: Pathogenic for Neurodevelopmental disorder. Last evaluated: 2021-06-17. Review status: criteria provided, single submitter. Criteria: ACMG Guidelines, 2015. Collection method: clinical testing. Allele origin: germline. Affected: yes.

Literature cited by the submitters: PubMed 23076834 (cited by Labcorp Genetics (formerly Invitae), Labcorp); PubMed 23913813 (cited by Labcorp Genetics (formerly Invitae), Labcorp).